The following is an entry in ClinVar:

NM_000458.4(HNF1B):c.*384A>G

Gene: HNF1B (HNF1 homeobox B; minus strand). Cytogenetic location: 17q12.
Variant type: single nucleotide variant.
Coding change: c.*384A>G on transcript NM_000458.4 (MANE Select); 384 bases downstream of the stop codon, A replaced by G.
Molecular consequence: 3 prime UTR variant.
Genome position (GRCh38, 1-based): chr17:37,686,988, T>C on the plus strand (A>G on the coding strand, the complement: HNF1B is on the minus strand). VCF-style: chr17-37686988-T-C. GRCh37 (hg19) VCF-style: chr17-36046991-T-C.
Other names: c.*384A>G (NM_001165923.4); c.*292A>G (NM_001304286.2).
Identifiers: ClinVar variation 322938 (VCV000322938.7), dbSNP rs1058166, ClinGen allele CA10639527.

ClinVar aggregate classification (germline): Benign. Review status: criteria provided, multiple submitters, no conflicts (2 of 4 stars). 3 submissions from 3 submitters: Benign (3). Last evaluated 2018-01-12.

Conditions:
Maturity-onset diabetes of the young (MODY). Also called: Maturity onset diabetes mellitus in young. Identifiers: Orphanet 552, MedGen C0342276, MONDO:0018911, HP:0004904.
Renal cysts and diabetes syndrome (RCAD). Also called: Familial hypoplastic, glomerulocystic kidney; MATURITY-ONSET DIABETES OF THE YOUNG, TYPE 5. Identifiers: Orphanet 93111, MedGen C0431693, MONDO:0007669, OMIM 137920.

Allele frequency attached by ClinVar (database versions not stated): gnomAD exomes 0.06673; gnomAD 0.16916 and 0.17933; 1000 Genomes Project 0.17153; 1000 Genomes Project 30x 0.18129; TOPMed 0.18403.
gnomAD v4.1: 46,716 of 461,494 alleles (10%); highest among the groups gnomAD compares: African/African-American, 44%; 5,946 homozygotes.

Submissions (3):

Illumina Laboratory Services, Illumina
Classification: Benign for Renal cysts and diabetes syndrome. Last evaluated: 2018-01-12. Review status: criteria provided, single submitter. Criteria: ICSL Variant Classification Criteria 13 December 2019. Collection method: clinical testing. Allele origin: germline.
Comment: This variant was observed in the ICSL laboratory as part of a predisposition screen in an ostensibly healthy population. It had not been previously curated by ICSL or reported in the Human Gene Mutation Database (HGMD: prior to June 1st, 2018), and was therefore a candidate for classification through an automated scoring system. Utilizing variant allele frequency, disease prevalence and penetrance estimates, and inheritance mode, an automated score was calculated to assess if this variant is too frequent to cause the disease. Based on the score and internal cut-off values, a variant classified as benign is not then subjected to further curation. The score for this variant resulted in a classification of benign for this disease.

Breakthrough Genomics
Classification: Benign. Review status: criteria provided, single submitter. Criteria: ACMG Guidelines, 2015. Collection method: not provided. Allele origin: germline. Inheritance: Autosomal dominant inheritance. Affected: yes.

Clinical Genomics, Uppaluri K&H Personalized Medicine Clinic
Classification: Benign for Maturity-onset diabetes of the young. Review status: criteria provided, single submitter. Criteria: K & H Uppaluri Personalized Medicine Clinic Variant Classification & Assertion Criteria_Updated V.1. Collection method: research. Allele origin: unknown. Inheritance: Autosomal dominant inheritance.
Comment: HNF1B gene mutations are associated with early onset diabetes and pancreatic atrophy. It is also associated with multiple renal manifestations including renal cysts, Tubulointerstitial disease, glomerulocystic disease, renal hypoplasia, hypomagnesemia. However no sufficient evidence is found to ascertain the role of this particular variant rs1058166, yet.

Literature cited by the submitters: PubMed 24897035 (cited by Clinical Genomics, Uppaluri K&H Personalized Medicine Clinic); PubMed 25536396 (cited by Clinical Genomics, Uppaluri K&H Personalized Medicine Clinic); PubMed 27615128 (cited by Clinical Genomics, Uppaluri K&H Personalized Medicine Clinic); PubMed 28215227 (cited by Clinical Genomics, Uppaluri K&H Personalized Medicine Clinic); PubMed 33434175 (cited by Clinical Genomics, Uppaluri K&H Personalized Medicine Clinic); PubMed 25741167 (cited by Clinical Genomics, Uppaluri K&H Personalized Medicine Clinic); PubMed 26340261 (cited by Clinical Genomics, Uppaluri K&H Personalized Medicine Clinic); PubMed 19639018 (cited by Clinical Genomics, Uppaluri K&H Personalized Medicine Clinic).